The following is an entry in ClinVar:

ClinVar aggregate classification (germline): Uncertain significance (1 of 4 stars; one submission).

Conditions:
Hereditary cancer-predisposing syndrome. Also called: Tumor predisposition; Hereditary Cancer Syndrome; Hereditary neoplastic syndrome; Neoplastic Syndromes, Hereditary. Identifiers: Orphanet 140162, MedGen C0027672, MeSH D009386, MONDO:0015356.

Submission:

Ambry Genetics
Classification: Uncertain significance for Hereditary cancer-predisposing syndrome. Last evaluated: 2026-02-11. Review status: criteria provided, single submitter. Criteria: Ambry Variant Classification Scheme 2023. Collection method: clinical testing. Allele origin: germline.
Comment: The c.803+3A>G intronic variant results from an A to G substitution 3 nucleotides after coding exon 7 in the PMS2 gene. This nucleotide position is not well conserved in available vertebrate species. In silico splice site analysis predicts that this alteration may weaken the native splice donor site. Based on the available evidence, the clinical significance of this variant remains unclear.

NM_000535.7(PMS2):c.803+3A>G

Gene: PMS2 (PMS1 homolog 2, mismatch repair system component; minus strand). Cytogenetic location: 7p22.1.
Variant type: single nucleotide variant.
Coding change: c.803+3A>G on transcript NM_000535.7 (MANE Select); 3 bases into the intron after coding-DNA position 803, A replaced by G.
Molecular consequence: intron variant.
Genome position (GRCh38, 1-based): chr7:5,997,323, T>C on the plus strand (A>G on the coding strand, the complement: PMS2 is on the minus strand). VCF-style: chr7-5997323-T-C. GRCh37 (hg19) VCF-style: chr7-6036954-T-C.
Other names: c.485+3A>G (NM_001322008.2, NM_001322007.2); c.398+3A>G (NM_001322010.2, NM_001322004.2, NM_001322003.2 and 2 more transcripts); c.230+3A>G (NM_001322013.2); c.-131+3A>G (NM_001322012.2, NM_001322011.2); c.494+3A>G (NM_001322015.2); c.803+3A>G (NM_001322006.2, NM_001322014.2).
Identifiers: ClinVar variation 1761742 (VCV001761742.3), dbSNP rs2536215253, ClinGen allele CA2580076844.
Genomic context (GRCh38, chr7:5,997,323, plus strand): 5'-TTAAAAAAAAAGCTCTCAGGATAAAATGTTCAATTGTAGTTCTCTTGCCAGCAATCTACT[T>C]ACTAAAAAAGATTATGCAGAGCATCGGAACAGCTCAAACCGTACTCTTCACACACGGAGT-3'